The following is an entry in ClinVar:

ClinVar aggregate classification (germline): Uncertain significance (1 of 4 stars; one submission).

Conditions:
Inborn genetic diseases. Identifiers: MedGen C0950123, MeSH D030342.

Submission:

Ambry Genetics
Classification: Uncertain significance for Inborn genetic diseases. Last evaluated: 2025-04-16. Review status: criteria provided, single submitter. Criteria: Ambry Variant Classification Scheme 2023. Collection method: clinical testing. Allele origin: germline.
Comment: The p.K1125E variant (also known as c.3373A>G), located in coding exon 32 of the RTEL1 gene, results from an A to G substitution at nucleotide position 3373. The lysine at codon 1125 is replaced by glutamic acid, an amino acid with similar properties. This amino acid position is conserved. In addition, the in silico prediction for this alteration is inconclusive. Based on the available evidence, the clinical significance of this variant remains unclear.

NM_001283009.2(RTEL1):c.3373A>G (p.Lys1125Glu)

Genes: RTEL1 (regulator of telomere elongation helicase 1; plus strand), RTEL1-TNFRSF6B (RTEL1-TNFRSF6B readthrough (NMD candidate); plus strand). Cytogenetic location: 20q13.33.
Variant type: single nucleotide variant.
Coding change: c.3373A>G on transcript NM_001283009.2 (MANE Select); coding-DNA position 3373, A replaced by G.
Protein change: p.Lys1125Glu; replaces lysine 1125 with glutamic acid.
Molecular consequence: missense variant. On other transcripts: non-coding transcript variant (1).
Genome position (GRCh38, 1-based): chr20:63,695,095, A>G. VCF-style: chr20-63695095-A-G. GRCh37 (hg19) VCF-style: chr20-62326448-A-G.
Other names: c.2704A>G, p.Lys902Glu (NM_001283010.1); c.3373A>G, p.Lys1125Glu (NM_016434.4); c.3445A>G, p.Lys1149Glu (NM_032957.5); short protein forms K1125E, K1149E, K902E.
Identifiers: ClinVar variation 3948328 (VCV003948328.1).